The following is an entry in ClinVar:

NM_025179.4(PLXNA2):c.2132T>C (p.Leu711Ser)

Gene: PLXNA2 (plexin A2; minus strand). Cytogenetic location: 1q32.2.
Variant type: single nucleotide variant.
Coding change: c.2132T>C on transcript NM_025179.4 (MANE Select); coding-DNA position 2132, T replaced by C.
Protein change: p.Leu711Ser; replaces leucine 711 with serine.
Molecular consequence: missense variant.
Genome position (GRCh38, 1-based): chr1:208,084,546, A>G on the plus strand (T>C on the coding strand, the complement: PLXNA2 is on the minus strand). VCF-style: chr1-208084546-A-G. GRCh37 (hg19) VCF-style: chr1-208257891-A-G.
Other names: short protein forms L711S.
Identifiers: ClinVar variation 3355828 (VCV003355828.1).

ClinVar aggregate classification (germline): Uncertain significance (0 of 4 stars; one submission).

Conditions:
PLXNA2-related disorder. Also called: PLXNA2-related condition.

gnomAD v4.1: 3 of 1,614,134 alleles (0.00019%); highest among the groups gnomAD compares: Non-Finnish European, 0.00025%; no homozygotes.

Submission:

PreventionGenetics, part of Exact Sciences
Classification: Uncertain significance for PLXNA2-related condition. Last evaluated: 2023-11-22. Review status: no assertion criteria provided. Collection method: clinical testing. Allele origin: germline.
Comment: The PLXNA2 c.2132T>C variant is predicted to result in the amino acid substitution p.Leu711Ser. To our knowledge, this variant has not been reported in the literature. This variant is reported in 0.0018% of alleles in individuals of European (Non-Finnish) descent in gnomAD. At this time, the clinical significance of this variant is uncertain due to the absence of conclusive functional and genetic evidence.